The following is an entry in ClinVar:

NM_003835.4(RGS9):c.1672G>A (p.Glu558Lys)

Gene: RGS9 (regulator of G protein signaling 9; plus strand). Cytogenetic location: 17q24.1.
Variant type: single nucleotide variant.
Coding change: c.1672G>A on transcript NM_003835.4 (MANE Select); coding-DNA position 1672, G replaced by A.
Protein change: p.Glu558Lys; replaces glutamic acid 558 with lysine.
Molecular consequence: missense variant.
Genome position (GRCh38, 1-based): chr17:65,225,266, G>A. VCF-style: chr17-65225266-G-A. GRCh37 (hg19) VCF-style: chr17-63221384-G-A.
Other names: c.1663G>A, p.Glu555Lys (NM_001081955.3); short protein forms E555K, E558K.
Identifiers: ClinVar variation 1064192 (VCV001064192.6), dbSNP rs759032207, ClinGen allele CA8718115.
Genomic context (GRCh38, chr17:65,225,266, plus strand): 5'-CAGAAAGGGGAGTGCAGCGGGTCCATGGCCCCCCGTGGGCCCTCTGTCACCGAGAGCAGC[G>A]AGGCCTCCCTCGACACCTCCTGGCCTCGCAGCCGGCCCAGGGCCCCTCCTAAGGCCCGCA-3'
Protein context (NP_003826.2, residues 548-568): PRGPSVTESS[Glu558Lys]ASLDTSWPRS

ClinVar aggregate classification (germline): Uncertain significance (1 of 4 stars; one submission).

Allele frequency attached by ClinVar (database versions not stated): ExAC 0.00001; gnomAD exomes 0.00001; TOPMed 0.00001; gnomAD 0.00002.
gnomAD v4.1: 23 of 1,608,804 alleles (0.0014%); highest among the groups gnomAD compares: Non-Finnish European, 0.0017%; no homozygotes.

Submission:

Labcorp Genetics (formerly Invitae), Labcorp
Classification: Uncertain significance. Last evaluated: 2022-02-05. Review status: criteria provided, single submitter. Criteria: Invitae Variant Classification Sherloc (09022015). Collection method: clinical testing. Allele origin: germline.
Comment: This sequence change replaces glutamic acid, which is acidic and polar, with lysine, which is basic and polar, at codon 558 of the RGS9 protein (p.Glu558Lys). The frequency data for this variant in the population databases is considered unreliable, as metrics indicate poor data quality at this position in the gnomAD database. This variant has not been reported in the literature in individuals affected with RGS9-related conditions. ClinVar contains an entry for this variant (Variation ID: 1064192). Algorithms developed to predict the effect of missense changes on protein structure and function (SIFT, PolyPhen-2, Align-GVGD) all suggest that this variant is likely to be tolerated. In summary, the available evidence is currently insufficient to determine the role of this variant in disease. Therefore, it has been classified as a Variant of Uncertain Significance.